The following is an entry in ClinVar:

NM_001363711.2(DUOX2):c.3770A>C (p.Tyr1257Ser)

Gene: DUOX2 (dual oxidase 2; minus strand). Cytogenetic location: 15q21.1.
Variant type: single nucleotide variant.
Coding change: c.3770A>C on transcript NM_001363711.2 (MANE Select); coding-DNA position 3770, A replaced by C.
Protein change: p.Tyr1257Ser; replaces tyrosine 1257 with serine.
Molecular consequence: missense variant.
Genome position (GRCh38, 1-based): chr15:45,097,315, T>G on the plus strand (A>C on the coding strand, the complement: DUOX2 is on the minus strand). VCF-style: chr15-45097315-T-G. GRCh37 (hg19) VCF-style: chr15-45389513-T-G.
Other names: c.3770A>C, p.Tyr1257Ser (NM_014080.5); short protein forms Y1257S.
Identifiers: ClinVar variation 4538392 (VCV004538392.1).

ClinVar aggregate classification (germline): Uncertain significance (1 of 4 stars; one submission).

Submission:

Greenwood Genetic Center Diagnostic Laboratories, Greenwood Genetic Center
Classification: Uncertain significance. Last evaluated: 2025-04-24. Review status: criteria provided, single submitter. Criteria: ACMG Guidelines, 2015. Collection method: clinical testing. Allele origin: germline. Affected: yes.
Comment: PM2